The following is an entry in ClinVar:

NM_000448.3(RAG1):c.152A>T (p.Asp51Val)

Gene: RAG1 (recombination activating 1; plus strand). Cytogenetic location: 11p12.
Variant type: single nucleotide variant.
Coding change: c.152A>T on transcript NM_000448.3 (MANE Select); coding-DNA position 152, A replaced by T.
Protein change: p.Asp51Val; replaces aspartic acid 51 with valine.
Molecular consequence: missense variant.
Genome position (GRCh38, 1-based): chr11:36,573,456, A>T. VCF-style: chr11-36573456-A-T. GRCh37 (hg19) VCF-style: chr11-36595006-A-T.
Other names: c.152A>T, p.Asp51Val (NM_001377277.1, NM_001377278.1, NM_001377279.1 and 1 more transcripts); short protein forms D51V.
Identifiers: ClinVar variation 304493 (VCV000304493.7), dbSNP rs147486240, ClinGen allele CA5949912.

ClinVar aggregate classification (germline): Uncertain significance. Review status: criteria provided, multiple submitters, no conflicts (2 of 4 stars). 3 submissions from 2 submitters: Uncertain significance (3). Last evaluated 2024-06-15.

Conditions:
Histiocytic medullary reticulosis. Also called: SEVERE COMBINED IMMUNODEFICIENCY WITH HYPEREOSINOPHILIA; Omenn syndrome. Identifiers: Orphanet 39041, MedGen C2700553, MONDO:0011338, OMIM 603554.
Severe combined immunodeficiency, autosomal recessive, T cell-negative, B cell-negative, NK cell-positive. Also called: SCID, T CELL-NEGATIVE, B CELL-NEGATIVE, NK CELL-POSITIVE; SCID, AR, T-cell negative, B-cell negative, NK cell-positive; Severe combined immunodeficiency due to complete RAG1/2 deficiency. Identifiers: Orphanet 331206, MedGen C1832322, MONDO:0011086, OMIM 601457.
Combined immunodeficiency with skin granulomas. Identifiers: Orphanet 157949, MedGen C2673536, MONDO:0009306, OMIM 233650.

Allele frequency attached by ClinVar (database versions not stated): ExAC 0.00001; gnomAD exomes 0.00001 and 0.00002; gnomAD 0.00003; TOPMed 0.00004; ESP Exome Variant Server 0.00008.

Submissions (3):

Labcorp Genetics (formerly Invitae), Labcorp
Classification: Uncertain significance for Combined immunodeficiency with skin granulomas; Severe combined immunodeficiency, autosomal recessive, T cell-negative, B cell-negative, NK cell-positive. Last evaluated: 2024-06-15. Review status: criteria provided, single submitter. Criteria: Invitae Variant Classification Sherloc (09022015). Collection method: clinical testing. Allele origin: germline.
Comment: This sequence change replaces aspartic acid, which is acidic and polar, with valine, which is neutral and non-polar, at codon 51 of the RAG1 protein (p.Asp51Val). This variant is present in population databases (rs147486240, gnomAD 0.002%). This variant has not been reported in the literature in individuals affected with RAG1-related conditions. ClinVar contains an entry for this variant (Variation ID: 304493). Advanced modeling of protein sequence and biophysical properties (such as structural, functional, and spatial information, amino acid conservation, physicochemical variation, residue mobility, and thermodynamic stability) performed at Invitae indicates that this missense variant is not expected to disrupt RAG1 protein function with a negative predictive value of 80%. In summary, the available evidence is currently insufficient to determine the role of this variant in disease. Therefore, it has been classified as a Variant of Uncertain Significance.

Illumina Laboratory Services, Illumina
Classification: Uncertain significance for Histiocytic medullary reticulosis. Last evaluated: 2018-01-12. Review status: criteria provided, single submitter. Criteria: ICSL Variant Classification Criteria 13 December 2019. Collection method: clinical testing. Allele origin: germline.

Illumina Laboratory Services, Illumina
Classification: Uncertain significance for Severe combined immunodeficiency, autosomal recessive, T cell-negative, B cell-negative, NK cell-positive. Last evaluated: 2018-01-12. Review status: criteria provided, single submitter. Criteria: ICSL Variant Classification Criteria 13 December 2019. Collection method: clinical testing. Allele origin: germline.